The following is an entry in ClinVar:

NM_024923.4(NUP210):c.5149G>A (p.Val1717Ile)

Gene: NUP210 (nucleoporin 210; minus strand). Cytogenetic location: 3p25.1.
Variant type: single nucleotide variant.
Coding change: c.5149G>A on transcript NM_024923.4 (MANE Select); coding-DNA position 5149, G replaced by A.
Protein change: p.Val1717Ile; replaces valine 1717 with isoleucine.
Molecular consequence: missense variant.
Genome position (GRCh38, 1-based): chr3:13,321,602, C>T on the plus strand (G>A on the coding strand, the complement: NUP210 is on the minus strand). VCF-style: chr3-13321602-C-T. GRCh37 (hg19) VCF-style: chr3-13363102-C-T.
Other names: c.5149G>A (NM_024923.2); short protein forms V1717I.
Identifiers: ClinVar variation 3040345 (VCV003040345.3), dbSNP rs142737206, ClinGen allele CA2262858.

ClinVar aggregate classification (germline): Likely benign. Review status: criteria provided, single submitter (1 of 4 stars). 2 submissions from 2 submitters: Likely benign (1). 1 of the submissions does not count toward it. Last evaluated 2025-09-26.

Conditions:
NUP210-related disorder. Also called: NUP210-related condition.

Allele frequency attached by ClinVar (database versions not stated): gnomAD exomes 0.00009; ESP Exome Variant Server 0.00092; ExAC 0.00035; gnomAD 0.00078; TOPMed 0.00095; 1000 Genomes Project 0.00100; 1000 Genomes Project 30x 0.00109.
gnomAD v4.1: 258 of 1,613,952 alleles (0.016%); highest among the groups gnomAD compares: African/African-American, 0.29%; no homozygotes.

Submissions (2):

Ambry Genetics
Classification: Likely benign. Last evaluated: 2025-09-26. Review status: criteria provided, single submitter. Criteria: Ambry Variant Classification Scheme 2023. Collection method: clinical testing. Allele origin: germline.

PreventionGenetics, part of Exact Sciences
Classification: Likely benign for NUP210-related condition. Last evaluated: 2022-07-28. Review status: no assertion criteria provided. Collection method: clinical testing. Allele origin: germline. Not counted in ClinVar's aggregate classification.
Comment: This variant is classified as likely benign based on ACMG/AMP sequence variant interpretation guidelines (Richards et al. 2015 PMID: 25741868, with internal and published modifications).